The following is an entry in ClinVar:

NM_000384.3(APOB):c.13573A>T (p.Ile4525Phe)

Gene: APOB (apolipoprotein B; minus strand). Cytogenetic location: 2p24.1.
Variant type: single nucleotide variant.
Coding change: c.13573A>T on transcript NM_000384.3 (MANE Select); coding-DNA position 13573, A replaced by T.
Protein change: p.Ile4525Phe; replaces isoleucine 4525 with phenylalanine.
Molecular consequence: missense variant.
Genome position (GRCh38, 1-based): chr2:21,001,849, T>A on the plus strand (A>T on the coding strand, the complement: APOB is on the minus strand). VCF-style: chr2-21001849-T-A. GRCh37 (hg19) VCF-style: chr2-21224721-T-A.
Other names: short protein forms I4525F.
Identifiers: ClinVar variation 1311486 (VCV001311486.2), dbSNP rs1396812245, ClinGen allele CA345967100.

ClinVar aggregate classification (germline): Uncertain significance (1 of 4 stars; one submission).

Allele frequency attached by ClinVar (database versions not stated): gnomAD exomes below 0.00001.

Submission:

GeneDx
Classification: Uncertain significance. Last evaluated: 2019-09-03. Review status: criteria provided, single submitter. Criteria: GeneDx Variant Classification Process June 2021. Collection method: clinical testing. Allele origin: germline. Affected: yes.
Comment: Has not been previously published as pathogenic or benign to our knowledge; Not observed at a significant frequency in large population cohorts (Lek et al., 2016); In silico analysis, which includes protein predictors and evolutionary conservation, supports that this variant does not alter protein structure/function